The following is an entry in ClinVar:

NM_015466.4(PTPN23):c.3458G>A (p.Arg1153Gln)

Gene: PTPN23 (protein tyrosine phosphatase non-receptor type 23; plus strand). Cytogenetic location: 3p21.31.
Variant type: single nucleotide variant.
Coding change: c.3458G>A on transcript NM_015466.4 (MANE Select); coding-DNA position 3458, G replaced by A.
Protein change: p.Arg1153Gln; replaces arginine 1153 with glutamine.
Molecular consequence: missense variant.
Genome position (GRCh38, 1-based): chr3:47,411,256, G>A. VCF-style: chr3-47411256-G-A. GRCh37 (hg19) VCF-style: chr3-47452746-G-A.
Other names: c.3080G>A, p.Arg1027Gln (NM_001304482.2); short protein forms R1153Q, R1027Q.
Identifiers: ClinVar variation 1489326 (VCV001489326.5), dbSNP rs761187184, ClinGen allele CA2366283.

ClinVar aggregate classification (germline): Uncertain significance (1 of 4 stars; one submission).

Allele frequency attached by ClinVar (database versions not stated): gnomAD 0.00001; ExAC 0.00002; gnomAD exomes 0.00002 and 0.00003.
gnomAD v4.1: 48 of 1,609,230 alleles (0.003%); highest among the groups gnomAD compares: Non-Finnish European, 0.0036%; no homozygotes.

Submission:

Labcorp Genetics (formerly Invitae), Labcorp
Classification: Uncertain significance. Last evaluated: 2022-08-02. Review status: criteria provided, single submitter. Criteria: Invitae Variant Classification Sherloc (09022015). Collection method: clinical testing. Allele origin: germline.
Comment: This sequence change replaces arginine, which is basic and polar, with glutamine, which is neutral and polar, at codon 1153 of the PTPN23 protein (p.Arg1153Gln). This variant is present in population databases (rs761187184, gnomAD 0.004%). This variant has not been reported in the literature in individuals affected with PTPN23-related conditions. ClinVar contains an entry for this variant (Variation ID: 1489326). Algorithms developed to predict the effect of missense changes on protein structure and function are either unavailable or do not agree on the potential impact of this missense change (SIFT: "Tolerated"; PolyPhen-2: "Possibly Damaging"; Align-GVGD: "Class C0"). In summary, the available evidence is currently insufficient to determine the role of this variant in disease. Therefore, it has been classified as a Variant of Uncertain Significance.